The following is an entry in ClinVar:

ClinVar aggregate classification (germline): Uncertain significance. Review status: criteria provided, multiple submitters, no conflicts (2 of 4 stars). 2 submissions from 2 submitters: Uncertain significance (2). Last evaluated 2025-08-08.

Conditions:
Inborn genetic diseases. Identifiers: MedGen C0950123, MeSH D030342.

gnomAD v4.1: 1 of 1,614,066 alleles (0.000062%); no homozygotes.

Submissions (2):

Labcorp Genetics (formerly Invitae), Labcorp
Classification: Uncertain significance. Last evaluated: 2025-08-08. Review status: criteria provided, single submitter. Criteria: Invitae Variant Classification Sherloc (09022015). Collection method: clinical testing. Allele origin: germline.
Comment: This sequence change falls in intron 4 of the DDX41 gene. It does not directly change the encoded amino acid sequence of the DDX41 protein. It affects a nucleotide within the consensus splice site. This variant is not present in population databases (gnomAD no frequency). This variant has not been reported in the literature in individuals affected with DDX41-related conditions. ClinVar contains an entry for this variant (Variation ID: 3616207). Variants that disrupt the consensus splice site are a relatively common cause of aberrant splicing (PMID: 17576681, 9536098). Algorithms developed to predict the effect of sequence changes on RNA splicing suggest that this variant is not likely to affect RNA splicing. In summary, the available evidence is currently insufficient to determine the role of this variant in disease. Therefore, it has been classified as a Variant of Uncertain Significance.

Ambry Genetics
Classification: Uncertain significance for Inborn genetic diseases. Last evaluated: 2025-05-27. Review status: criteria provided, single submitter. Criteria: Ambry Variant Classification Scheme 2023. Collection method: clinical testing. Allele origin: germline.
Comment: The c.373+5G>T intronic variant results from a G to T substitution 5 nucleotides after coding exon 4 in the DDX41 gene. This nucleotide position is well conserved in available vertebrate species. In silico splice site analysis predicts that this alteration will not have any significant effect on splicing. Based on the available evidence, the clinical significance of this variant remains unclear.

Literature cited by the submitters: PubMed 17576681 (cited by Labcorp Genetics (formerly Invitae), Labcorp); PubMed 9536098 (cited by Labcorp Genetics (formerly Invitae), Labcorp).

NM_016222.4(DDX41):c.373+5G>T

Gene: DDX41 (DEAD-box helicase 41; minus strand). Cytogenetic location: 5q35.3.
Variant type: single nucleotide variant.
Coding change: c.373+5G>T on transcript NM_016222.4 (MANE Select); 5 bases into the intron after coding-DNA position 373, G replaced by T.
Molecular consequence: intron variant.
Genome position (GRCh38, 1-based): chr5:177,516,114, C>A on the plus strand (G>T on the coding strand, the complement: DDX41 is on the minus strand). VCF-style: chr5-177516114-C-A. GRCh37 (hg19) VCF-style: chr5-176943115-C-A.
Other names: c.373+5G>T (NM_016222.2); c.-6+5G>T (NM_001321830.2, NM_001321732.2).
Identifiers: ClinVar variation 3616207 (VCV003616207.3).